The following is an entry in ClinVar:

ClinVar aggregate classification (germline): Benign/Likely benign. Review status: criteria provided, multiple submitters, no conflicts (2 of 4 stars). 8 submissions from 8 submitters: Benign (2); Likely benign (4). 2 of the submissions do not count toward it. Last evaluated 2026-01-14.

Conditions:
Hereditary cancer-predisposing syndrome. Also called: Tumor predisposition; Hereditary Cancer Syndrome; Neoplastic Syndromes, Hereditary; Hereditary neoplastic syndrome. Identifiers: Orphanet 140162, MedGen C0027672, MeSH D009386, MONDO:0015356.
Tuberous sclerosis 2 (TSC2). Identifiers: Orphanet 805, MedGen C1860707, MONDO:0013199, OMIM 613254.
TSC2-related disorder. Also called: TSC2-Related Disorders; TSC2-related condition.
Tuberous sclerosis syndrome (TSC). Also called: Tuberous Sclerosis Complex; Tuberous sclerosis. Identifiers: Orphanet 805, MedGen C0041341, MONDO:0001734.

Allele frequency attached by ClinVar (database versions not stated): gnomAD 0.00002; TOPMed 0.00002.
gnomAD v4.1: 38 of 1,604,776 alleles (0.0024%); highest among the groups gnomAD compares: South Asian, 0.0077%; no homozygotes.

Submissions (8):

Labcorp Genetics (formerly Invitae), Labcorp
Classification: Benign for Tuberous sclerosis 2. Last evaluated: 2026-01-14. Review status: criteria provided, single submitter. Criteria: Invitae Variant Classification Sherloc (09022015). Collection method: clinical testing. Allele origin: germline.

Myriad Genetics, Inc.
Classification: Benign for Tuberous sclerosis 2. Last evaluated: 2025-06-09. Review status: criteria provided, single submitter. Criteria: Myriad Autosomal Dominant, Autosomal Recessive and X-Linked Classification Criteria (2023). Collection method: clinical testing. Allele origin: unknown.
Comment: This variant is considered benign. This variant is a silent/synonymous amino acid change and it is not expected to impact splicing.

All of Us Research Program, National Institutes of Health
Classification: Likely benign for Tuberous sclerosis syndrome. Last evaluated: 2023-10-02. Review status: criteria provided, single submitter. Criteria: ACMG Guidelines, 2015. Collection method: clinical testing. Allele origin: germline. Inheritance: Autosomal dominant inheritance. Observed: 3 variant alleles, 3 heterozygotes.
Comment: This study involves interpretation of variants in research participants for the purpose of population health screening. Participant phenotype was not available at the time of variant classification. Additional details can be found in publication PMID: 35346344, PMCID: PMC8962531

Color Diagnostics, LLC DBA Color Health
Classification: Likely benign for Tuberous sclerosis syndrome. Last evaluated: 2022-09-20. Review status: criteria provided, single submitter. Criteria: ACMG Guidelines, 2015. Collection method: clinical testing. Allele origin: germline.

Sema4
Classification: Likely benign for Hereditary cancer-predisposing syndrome. Last evaluated: 2021-07-22. Review status: criteria provided, single submitter. Criteria: Sema4 Curation Guidelines. Collection method: curation. Allele origin: germline.

Ambry Genetics
Classification: Likely benign for Hereditary cancer-predisposing syndrome. Last evaluated: 2017-12-01. Review status: criteria provided, single submitter. Criteria: Ambry Variant Classification Scheme 2023. Collection method: clinical testing. Allele origin: germline.

PreventionGenetics, part of Exact Sciences
Classification: Likely benign for TSC2-related condition. Last evaluated: 2023-03-20. Review status: no assertion criteria provided. Collection method: clinical testing. Allele origin: germline. Not counted in ClinVar's aggregate classification.
Comment: This variant is classified as likely benign based on ACMG/AMP sequence variant interpretation guidelines (Richards et al. 2015 PMID: 25741868, with internal and published modifications).

Tuberous sclerosis database (TSC2)
No classification provided. Condition: TSC. Review status: no classification provided. Criteria: Tuberous Sclerosis Database Assertion Criteria 2015. Collection method: curation. Allele origin: germline. Affected: yes. Not counted in ClinVar's aggregate classification.

NM_000548.5(TSC2):c.5412C>T (p.Thr1804=)

Gene: TSC2 (TSC complex subunit 2; plus strand). Cytogenetic location: 16p13.3.
Variant type: single nucleotide variant.
Coding change: c.5412C>T on transcript NM_000548.5 (MANE Select); coding-DNA position 5412, C replaced by T.
Protein change: p.Thr1804=; no amino-acid change (threonine 1804 retained).
Molecular consequence: synonymous variant.
Genome position (GRCh38, 1-based): chr16:2,088,598, C>T. VCF-style: chr16-2088598-C-T. GRCh37 (hg19) VCF-style: chr16-2138599-C-T.
Other names: c.5211C>T, p.Thr1737= (NM_001077183.3); c.5343C>T, p.Thr1781= (NM_001114382.3); c.5103C>T, p.Thr1701= (NM_001318827.2); c.5067C>T, p.Thr1689= (NM_001318829.2); c.4680C>T, p.Thr1560= (NM_001318831.2); c.5244C>T, p.Thr1748= (NM_001318832.2); c.5214C>T, p.Thr1738= (NM_001363528.2); c.5280C>T, p.Thr1760= (NM_001370404.1); and 3 more.
Identifiers: ClinVar variation 65340 (VCV000065340.19), dbSNP rs397515252, ClinGen allele CA022495.